The following is an entry in ClinVar:

ClinVar aggregate classification (germline): Likely benign (1 of 4 stars; one submission).

Conditions:
PKHD1-related disorder. Also called: PKHD1-related condition.

gnomAD v4.1: 7 of 1,613,934 alleles (0.00043%); highest among the groups gnomAD compares: Admixed American, 0.012%; no homozygotes.

Submission:

PreventionGenetics, part of Exact Sciences
Classification: Likely benign for PKHD1-related condition. Last evaluated: 2025-05-07. Review status: criteria provided, single submitter. Criteria: ACMG Guidelines, 2015. Collection method: clinical testing. Allele origin: germline.
Comment: This variant is classified as likely benign based on ACMG/AMP sequence variant interpretation guidelines (Richards et al. 2015 PMID: 25741868, with internal and published modifications).

NM_138694.4(PKHD1):c.1713T>A (p.Ser571=)

Gene: PKHD1 (PKHD1 ciliary IPT domain containing fibrocystin/polyductin; minus strand). Cytogenetic location: 6p12.2.
Variant type: single nucleotide variant.
Coding change: c.1713T>A on transcript NM_138694.4 (MANE Select); coding-DNA position 1713, T replaced by A.
Protein change: p.Ser571=; no amino-acid change (serine 571 retained).
Molecular consequence: synonymous variant.
Genome position (GRCh38, 1-based): chr6:52,055,710, A>T on the plus strand (T>A on the coding strand, the complement: PKHD1 is on the minus strand). VCF-style: chr6-52055710-A-T. GRCh37 (hg19) VCF-style: chr6-51920508-A-T.
Other names: c.1713T>A, p.Ser571= (NM_170724.3).
Identifiers: ClinVar variation 4978136 (VCV004978136.1).
Genomic context (GRCh38, chr6:52,055,710, plus strand): 5'-AGGCTGACGGAGGCTGAACCTGCCACAGAAGGGCTCCGTCCCACTGGTGAGGTCCCCATC[A>T]GAGTTGGAAACTTCTGGGCCTGGATGCAGTTCAGATAAAATAGAAAGGCAGGCATAGATA-3'
Protein context (NP_619639.3, residues 561-581): GFERGPEVSN[Ser571=]DGDLTSGTEP